The following is an entry in ClinVar:

ClinVar aggregate classification (germline): Likely pathogenic (1 of 4 stars; one submission).

Submission:

Mayo Clinic Laboratories, Mayo Clinic
Classification: Likely pathogenic. Last evaluated: 2023-12-19. Review status: criteria provided, single submitter. Criteria: ACMG Guidelines, 2015. Collection method: clinical testing. Allele origin: germline.
Comment: PM2_moderate, PVS1

NM_000140.5(FECH):c.598+1dup

Gene: FECH (ferrochelatase; minus strand). Cytogenetic location: 18q21.31.
Variant type: Duplication.
Coding change: c.598+1dup on transcript NM_000140.5 (MANE Select); the canonical splice donor site of the intron after coding-DNA position 598, one base duplicated (G; older notation c.598+1dupG).
Molecular consequence: splice donor variant.
Genome position (GRCh38, 1-based): chr18:57,566,446, C duplicated on the plus strand (G on the coding strand, the reverse complement: FECH is on the minus strand); the first of 2 consecutive C bases (chr18:57,566,446-57,566,447); duplicating either gives the same sequence. VCF-style (leftmost placement, unchanged base first): chr18-57566445-A-AC. GRCh37 (hg19) VCF-style: chr18-55233677-A-AC.
Other names: c.598+1dup (NM_001371094.1, NM_001374778.1); c.616+1dup (NM_001012515.4); c.382+1dup (NM_001371095.1).
Identifiers: ClinVar variation 3391446 (VCV003391446.1).
Genomic context (GRCh38, chr18:57,566,445, plus strand): 5'-ACTCCTTGGTTATTTTTGCCAGCACCGTATCTACCTTTCCACTGTCAGAGAGATGCCCTT[A>AC]CCTGTGGTGGAGCAGCTGTACTGTGGATACTGTGTGAAAGCAATAGCCCTTTCTAGGCCA-3'